The following is an entry in ClinVar:

ClinVar aggregate classification (germline): Uncertain significance (1 of 4 stars; one submission).

Conditions:
Adenylosuccinate lyase deficiency (ADSLD). Also called: ADSL DEFICIENCY. Identifiers: Orphanet 46, MedGen C0268126, MONDO:0007068, OMIM 103050.

Submission:

Labcorp Genetics (formerly Invitae), Labcorp
Classification: Uncertain significance for Adenylosuccinate lyase deficiency. Last evaluated: 2021-01-08. Review status: criteria provided, single submitter. Criteria: Invitae Variant Classification Sherloc (09022015). Collection method: clinical testing. Allele origin: germline.
Comment: This variant has not been reported in the literature in individuals with ADSL-related conditions. In summary, the available evidence is currently insufficient to determine the role of this variant in disease. Therefore, it has been classified as a Variant of Uncertain Significance. Experimental studies and prediction algorithms are not available or were not evaluated, and the functional significance of this variant is currently unknown. The frequency data for this variant in the population databases is considered unreliable, as metrics indicate insufficient coverage at this position in the ExAC database. This variant occurs in a non-coding region of the ADSL gene. It does not change the encoded amino acid sequence of the ADSL protein.

NC_000022.11:g.40345588_40345589insAAAAAAAG

Gene: ADSL (adenylosuccinate lyase; plus strand). Cytogenetic location: 22q13.1.
Variant type: Insertion.
Genome position: GRCh38 VCF-style: chr22-40345588-A-AAAAAAAAG. GRCh37 (hg19) VCF-style: chr22-40741592-A-AAAAAAAAG.
Identifiers: ClinVar variation 1895554 (VCV001895554.6), dbSNP rs377707583, ClinGen allele CA753179479.